The following is an entry in ClinVar:

ClinVar aggregate classification (germline): Uncertain significance (1 of 4 stars; one submission).

Submission:

GeneDx
Classification: Uncertain significance. Last evaluated: 2025-04-23. Review status: criteria provided, single submitter. Criteria: GeneDx Variant Classification Process June 2021. Collection method: clinical testing. Allele origin: germline. Affected: yes.
Comment: Not observed at significant frequency in large population cohorts (gnomAD); In silico analysis supports that this missense variant has a deleterious effect on protein structure/function; Has not been previously published as pathogenic or benign to our knowledge

NM_001347721.2(DYRK1A):c.1626C>G (p.Cys542Trp)

Gene: DYRK1A (dual specificity tyrosine phosphorylation regulated kinase 1A; plus strand). Cytogenetic location: 21q22.13.
Variant type: single nucleotide variant.
Coding change: c.1626C>G on transcript NM_001347721.2 (MANE Select); coding-DNA position 1626, C replaced by G.
Protein change: p.Cys542Trp; replaces cysteine 542 with tryptophan.
Molecular consequence: missense variant. On other transcripts: intron variant (1).
Genome position (GRCh38, 1-based): chr21:37,506,205, C>G. VCF-style: chr21-37506205-C-G. GRCh37 (hg19) VCF-style: chr21-38878508-C-G.
Other names: c.1626C>G, p.Cys542Trp (NM_001347722.2, NM_130436.2); c.1539C>G, p.Cys513Trp (NM_001347723.2); c.1653C>G, p.Cys551Trp (NM_001396.5, NM_101395.2); c.1546+616C>G (NM_130438.2); short protein forms C513W, C542W, C551W.
Identifiers: ClinVar variation 4527227 (VCV004527227.1).